The following is an entry in ClinVar:

NM_003919.3(SGCE):c.1283A>G (p.Gln428Arg)

Genes: CASD1 (CAS1 domain sialic acid O acetyltransferase 1; plus strand), SGCE (sarcoglycan epsilon; minus strand). Cytogenetic location: 7q21.3.
Variant type: single nucleotide variant.
Coding change: c.1283A>G on transcript NM_003919.3 (MANE Select); coding-DNA position 1283, A replaced by G.
Protein change: p.Gln428Arg; replaces glutamine 428 with arginine.
Molecular consequence: missense variant.
Genome position (GRCh38, 1-based): chr7:94,588,703, T>C on the plus strand (A>G on the coding strand, the complement: SGCE is on the minus strand). VCF-style: chr7-94588703-T-C. GRCh37 (hg19) VCF-style: chr7-94218015-T-C.
Other names: c.1256A>G, p.Gln419Arg (NM_001099400.2, NM_001346717.2); c.1358A>G, p.Gln453Arg (NM_001099401.2); c.1160A>G, p.Gln387Arg (NM_001301139.2); c.1391A>G, p.Gln464Arg (NM_001346713.2); c.1364A>G, p.Gln455Arg (NM_001346715.2); c.1196A>G, p.Gln399Arg (NM_001346719.2); c.1010A>G, p.Gln337Arg (NM_001346720.2); c.1169A>G, p.Gln390Arg (NM_001362807.2); and 2 more; short protein forms Q387R, Q399R, Q419R, Q453R, Q390R, Q428R, Q378R, Q328R.
Identifiers: ClinVar variation 2303135 (VCV002303135.3), dbSNP rs1366243114, ClinGen allele CA368228252.

ClinVar aggregate classification (germline): Uncertain significance. Review status: criteria provided, multiple submitters, no conflicts (2 of 4 stars). 2 submissions from 2 submitters: Uncertain significance (2). Last evaluated 2025-10-16.

Conditions:
Myoclonic dystonia 11 (DYT11). Also called: DYT-SGCE; Myoclonic dystonia; Dystonia 11; Dystonia, alcohol responsive; Hereditary essential myoclonus; SGCE Myoclonus-Dystonia. Identifiers: Orphanet 36899, MedGen C1834570, MONDO:0008044, OMIM 159900.
Inborn genetic diseases. Identifiers: MedGen C0950123, MeSH D030342.

Allele frequency attached by ClinVar (database versions not stated): gnomAD exomes below 0.00001; TOPMed below 0.00001.
gnomAD v4.1: 3 of 1,607,322 alleles (0.00019%); highest among the groups gnomAD compares: Admixed American, 0.0033%; no homozygotes.

Submissions (2):

Labcorp Genetics (formerly Invitae), Labcorp
Classification: Uncertain significance for Myoclonic dystonia 11. Last evaluated: 2025-10-16. Review status: criteria provided, single submitter. Criteria: Invitae Variant Classification Sherloc (09022015). Collection method: clinical testing. Allele origin: germline.
Comment: This sequence change replaces glutamine, which is neutral and polar, with arginine, which is basic and polar, at codon 428 of the SGCE protein (p.Gln428Arg). This variant is present in population databases (no rsID available, gnomAD 0.006%). This variant has not been reported in the literature in individuals affected with SGCE-related conditions. ClinVar contains an entry for this variant (Variation ID: 2303135). An algorithm developed to predict the effect of missense changes on protein structure and function (PolyPhen-2) suggests that this variant is likely to be disruptive. In summary, the available evidence is currently insufficient to determine the role of this variant in disease. Therefore, it has been classified as a Variant of Uncertain Significance.

Ambry Genetics
Classification: Uncertain significance for Inborn genetic diseases. Last evaluated: 2022-07-26. Review status: criteria provided, single submitter. Criteria: Ambry Variant Classification Scheme 2023. Collection method: clinical testing. Allele origin: germline.